The following is an entry in ClinVar:

NM_000435.3(NOTCH3):c.544C>T (p.Arg182Cys)

Gene: NOTCH3 (notch receptor 3; minus strand). Cytogenetic location: 19p13.12.
Variant type: single nucleotide variant.
Coding change: c.544C>T on transcript NM_000435.3 (MANE Select); coding-DNA position 544, C replaced by T.
Protein change: p.Arg182Cys; replaces arginine 182 with cysteine.
Molecular consequence: missense variant.
Genome position (GRCh38, 1-based): chr19:15,192,095, G>A on the plus strand (C>T on the coding strand, the complement: NOTCH3 is on the minus strand). VCF-style: chr19-15192095-G-A. GRCh37 (hg19) VCF-style: chr19-15302906-G-A.
Other names: c.544C>T (NM_000435.1); short protein forms R182C.
Identifiers: ClinVar variation 9220 (VCV000009220.77), dbSNP rs28933697, ClinGen allele CA340885.

ClinVar aggregate classification (germline): Pathogenic. Review status: criteria provided, multiple submitters, no conflicts (2 of 4 stars). 22 submissions from 22 submitters: Pathogenic (18). 4 of the submissions do not count toward it. Last evaluated 2026-08-06.

Conditions:
NOTCH3-related disorder. Also called: NOTCH3-related disorders; NOTCH3-related condition.
Cerebral arteriopathy, autosomal dominant, with subcortical infarcts and leukoencephalopathy, type 1 (CADASIL1). Also called: CASIL; Cerebral arteriopathy with subcortical infarcts and leukoencephalopathy 1; DEMENTIA, HEREDITARY MULTIINFARCT TYPE; CADASIL 1. Identifiers: Orphanet 136, MedGen C4551768, MONDO:0000914, OMIM 125310.

Allele frequency attached by ClinVar (database versions not stated): gnomAD 0.00001; gnomAD exomes 0.00001.
gnomAD v4.1: 9 of 1,613,084 alleles (0.00056%); highest among the groups gnomAD compares: Admixed American, 0.0017%; no homozygotes.

Submissions 1 to 10 of 22:

NHS Central & South Genomic Laboratory Hub
Classification: Pathogenic for CADASIL. Last evaluated: 2026-08-06. Review status: criteria provided, single submitter. Criteria: ACMG Guidelines, 2015. Collection method: clinical testing. Allele origin: germline. Affected: yes.

Labcorp Genetics (formerly Invitae), Labcorp
Classification: Pathogenic. Last evaluated: 2026-02-01. Review status: criteria provided, single submitter. Criteria: Invitae Variant Classification Sherloc (09022015). Collection method: clinical testing. Allele origin: germline.
Comment: This sequence change replaces arginine, which is basic and polar, with cysteine, which is neutral and slightly polar, at codon 182 of the NOTCH3 protein (p.Arg182Cys). This variant is present in population databases (rs28933697, gnomAD 0.007%). This missense change has been observed in individuals with cerebral arteriopathy with subcortical infarcts and leukoencephalopathy (CADASIL) (PMID: 12395806, 16009764). ClinVar contains an entry for this variant (Variation ID: 9220). Invitae Evidence Modeling of protein sequence and biophysical properties (such as structural, functional, and spatial information, amino acid conservation, physicochemical variation, residue mobility, and thermodynamic stability) indicates that this missense variant is expected to disrupt NOTCH3 protein function with a positive predictive value of 95%. For these reasons, this variant has been classified as Pathogenic.

Dasa
Classification: Pathogenic. Last evaluated: 2026-01-20. Review status: criteria provided, single submitter. Criteria: DASA Assertion Criteria. Collection method: clinical testing. Allele origin: germline.
Comment: NM_000435.3(NOTCH3):c.544C>T (p.Arg182Cys) is a missense variant that results in the substitution of arginine with cysteine. The affected residue or protein region has prior evidence supporting clinical relevance. Functional evidence supports a deleterious effect on the gene or gene product (PMID: 26912635; PMID: 10854111; PMID: 9388399; PMID: 10716263; PMID: 24579972). This variant has been recurrently observed in individuals with related phenotype (PMID: 26912635; PMID: 10854111; PMID: 9388399; PMID: 10716263; PMID: 24579972). Multiple computational predictions support a deleterious effect on the gene or gene product. The variant is present at low frequency in population datasets. Based on the available data, this variant is classified as pathogenic.

CeGaT Center for Human Genetics Tuebingen
Classification: Pathogenic. Last evaluated: 2025-07-01. Review status: criteria provided, single submitter. Criteria: CeGaT Center For Human Genetics Tuebingen Variant Classification Criteria Version 2. Collection method: clinical testing. Allele origin: germline. Affected: yes. Observed: 9 variant alleles.
Comment: NOTCH3: PM1:Strong, PS4, PM2, PP4, PS3:Supporting

Variantyx, Inc.
Classification: Pathogenic for Cerebral arteriopathy, autosomal dominant, with subcortical infarcts and leukoencephalopathy, type 1. Last evaluated: 2025-06-05. Review status: criteria provided, single submitter. Criteria: Variantyx Assertion Criteria 2022. Collection method: clinical testing. Allele origin: de novo. Inheritance: Autosomal dominant inheritance. Affected: yes.
Comment: This is a nonsynonymous variant in the NOTCH3 gene (OMIM: 600276). Pathogenic variants in this gene have been associated with autosomal dominant cerebral arteriopathy with subcortical infarcts and leukoencephalopathy 1. This variant likely occurred de novo in individuals reported in the published literature, however, the possibility of parental germline mosaicism cannot be excluded (PMID: 10716263) (PS2). This variant has been reported in at least 10 unrelated affected individuals (PMID: 12395806) (PS4_Moderate). The alteration lies within a known hotspot for pathogenic variants or a well-established critical functional domain of the NOTCH3 protein (PMID 18273901) (PM1), and multiple computational algorithms predict a deleterious effect for this variant (REVEL score: 0.789) (PP3). This variant has a 0.0061% maximum allele frequency in non-founder control populations (PM2). Based on the current evidence, this variant is classified as pathogenic for autosomal dominant cerebral arteriopathy with subcortical infarcts and leukoencephalopathy 1.

Cambridge Genomics Laboratory, East Genomic Laboratory Hub, NHS Genomic Medicine Service
Classification: Pathogenic for CADASIL. Last evaluated: 2025-04-01. Review status: criteria provided, single submitter. Criteria: ACGS Best Practice Guidelines for Variant Classification in Rare Disease 2020. Collection method: clinical testing. Allele origin: germline. Affected: yes.
Comment: PS4_Moderate,PM1_Strong,PM2,PP2,PP3,PP4

Women's Health and Genetics/Laboratory Corporation of America, LabCorp
Classification: Pathogenic for Cerebral arteriopathy, autosomal dominant, with subcortical infarcts and leukoencephalopathy, type 1. Last evaluated: 2025-03-18. Review status: criteria provided, single submitter. Criteria: LabCorp Variant Classification Summary - May 2015. Collection method: clinical testing. Allele origin: germline.
Comment: Variant summary: NOTCH3 c.544C>T (p.Arg182Cys) results in a non-conservative amino acid change in the encoded protein sequence. Five of five in-silico tools predict a damaging effect of the variant on protein function. The variant was absent in 249348 control chromosomes. c.544C>T has been reported in the literature in multiple individuals affected with Cerebral arteriopathy, autosomal dominant, with subcortical infarcts and leukoencephalopathy, type 1(example: Peters_2005). These data indicate that the variant is very likely to be associated with disease. The following publication has been ascertained in the context of this evaluation (PMID: 16009764). ClinVar contains an entry for this variant (Variation ID: 9220). Based on the evidence outlined above, the variant was classified as pathogenic.

Victorian Clinical Genetics Services, Murdoch Childrens Research Institute
Classification: Pathogenic for Cerebral arteriopathy, autosomal dominant, with subcortical infarcts and leukoencephalopathy, type 1. Last evaluated: 2025-02-17. Review status: criteria provided, single submitter. Criteria: ACMG Guidelines, 2015. Collection method: clinical testing. Allele origin: germline. Affected: yes.
Comment: This variant is classified as Pathogenic. Evidence in support of pathogenic classification: Variant is present in gnomAD <0.001 for a dominant condition (v4: 9 heterozygote(s), 0 homozygote(s)); This variant has strong previous evidence of pathogenicity in unrelated individuals. This variant has been classified as pathogenic by multiple clinical laboratories in ClinVar; Missense variant predicted to be damaging by in silico tool(s) or highly conserved with a major amino acid change. Additional information: Variant is predicted to result in a missense amino acid change from arginine to cysteine; This variant is heterozygous; This gene is associated with autosomal dominant disease; Alternative amino acid change(s) at the same position are present in gnomAD (Highest alelle count: v4: 13 heterozygote(s), 0 homozygote(s)); Variant is located in the annotated calcium-binding EGF domain (DECIPHER, Interpro); The mechanism of disease for this gene is not clearly established. Both loss of function and dominant negative have been suggested as mechanisms in CADASIL (MIM#125310); however, lateral meningocele syndrome (MIM#130720) results from a gain of function (OMIM); Variants in this gene are known to have variable expressivity. p.(Arg544Cys) is associated with a later age of onset and milder clinical features than other NOTCH3 variants (PMIDs: 20301673, 26308724); Inheritance information for this variant is not currently available in this individual.

Blueprint Genetics
Classification: Pathogenic for NOTCH3-related disorders. Last evaluated: 2024-07-17. Review status: criteria provided, single submitter. Criteria: ACMG Guidelines, 2015. Collection method: clinical testing. Allele origin: germline. Affected: yes. Observed: 5 variant alleles.

ARUP Laboratories, Molecular Genetics and Genomics, ARUP Laboratories
Classification: Pathogenic. Last evaluated: 2023-09-04. Review status: criteria provided, single submitter. Criteria: ARUP Molecular Germline Variant Investigation Process 2024. Collection method: clinical testing. Allele origin: germline.
Comment: The NOTCH3 c.544C>T; p.Arg182Cys variant (rs28933697), is reported in the literature in multiple individuals affected with CADASIL (Joutel 1997, Joutel 2000, Oberstein 1999). This variant is reported as pathogenic in ClinVar (Variation ID: 9220), and is only observed on one allele in the Genome Aggregation Database, indicating it is not a common polymorphism. The arginine at codon 182 is highly conserved, and computational analyses predict that this variant is deleterious (REVEL: 0.789). This variant lies with an EGF-like repeat domain, and pathogenic variants resulting in the gain or loss of a cysteine residue are common in these repeats and are predicted to disrupt protein structure (Dichgans 2000, Joutel 1997, Rutten 2016). Based on available information, the p.Arg182Cys variant is considered to be pathogenic. References: Dichgans M et al. Small in-frame deletions and missense mutations in CADASIL: 3D models predict misfolding of Notch3 EGF-like repeat domains. Eur J Hum Genet. 2000 Apr;8(4):280-5. Joutel A et al. Strong clustering and stereotyped nature of Notch3 mutations in CADASIL patients. Lancet. 1997 Nov 22;350(9090):1511-5. Joutel A et al. De novo mutation in the Notch3 gene causing CADASIL. Ann Neurol. 2000 Mar;47(3):388-91. Oberstein SA et al. Diagnostic Notch3 sequence analysis in CADASIL: three new mutations in Dutch patients. Dutch CADASIL Research Group. Neurology. 1999 Jun 10;52(9):1913-5. Rutten JW et al. Therapeutic NOTCH3 cysteine correction in CADASIL using exon skipping: in vitro proof of concept. Brain. 2016 Apr;139(Pt 4):1123-35.